The following is an entry in ClinVar:

NM_020975.6(RET):c.2385C>A (p.Ser795Arg)

Gene: RET (ret proto-oncogene; plus strand). Cytogenetic location: 10q11.21.
Variant type: single nucleotide variant.
Coding change: c.2385C>A on transcript NM_020975.6 (MANE Select); coding-DNA position 2385, C replaced by A.
Protein change: p.Ser795Arg; replaces serine 795 with arginine.
Molecular consequence: missense variant.
Genome position (GRCh38, 1-based): chr10:43,118,473, C>A. VCF-style: chr10-43118473-C-A. GRCh37 (hg19) VCF-style: chr10-43613921-C-A.
Other names: c.2385C>A, p.Ser795Arg (NM_000323.2, NM_001406743.1, NM_001406744.1 and 4 more transcripts); c.1623C>A, p.Ser541Arg (NM_001355216.2); c.2097C>A, p.Ser699Arg (NM_001406770.1, NM_001406766.1, NM_001406767.1); c.1947C>A, p.Ser649Arg (NM_001406771.1, NM_001406773.1); c.1989C>A, p.Ser663Arg (NM_001406772.1, NM_001406769.1); c.1860C>A, p.Ser620Arg (NM_001406774.1); c.1659C>A, p.Ser553Arg (NM_001406775.1, NM_001406776.1, NM_001406777.1 and 1 more transcripts); c.1200C>A, p.Ser400Arg (NM_001406789.1, NM_001406790.1, NM_001406788.1); and 10 more; short protein forms S312R, S456R, S620R, S649R, S752R, S795R, S400R, S451R.
Identifiers: ClinVar variation 2735392 (VCV002735392.3), dbSNP rs2132932061, ClinGen allele CA376555923.

ClinVar aggregate classification (germline): Uncertain significance (1 of 4 stars; one submission).

Conditions:
Multiple endocrine neoplasia, type 2 (MEN2). Identifiers: Orphanet 653, MedGen C4048306, MONDO:0019003. Disease mechanism: gain of function.

Allele frequency attached by ClinVar (database versions not stated): gnomAD exomes below 0.00001.
gnomAD v4.1: 5 of 1,613,078 alleles (0.00031%); highest among the groups gnomAD compares: Non-Finnish European, 0.00042%; no homozygotes.

Submission:

Labcorp Genetics (formerly Invitae), Labcorp
Classification: Uncertain significance for Multiple endocrine neoplasia, type 2. Last evaluated: 2023-03-19. Review status: criteria provided, single submitter. Criteria: Invitae Variant Classification Sherloc (09022015). Collection method: clinical testing. Allele origin: germline.
Comment: An algorithm developed to predict the effect of missense changes on protein structure and function (PolyPhen-2) suggests that this variant is likely to be disruptive. In summary, the available evidence is currently insufficient to determine the role of this variant in disease. Therefore, it has been classified as a Variant of Uncertain Significance. This missense change has been observed in individual(s) with Hirschsprung disease (PMID: 10646792). This variant is not present in population databases (gnomAD no frequency). This sequence change replaces serine, which is neutral and polar, with arginine, which is basic and polar, at codon 795 of the RET protein (p.Ser795Arg).

Literature cited by the submitters: PubMed 10646792.